The following is an entry in ClinVar:

ClinVar aggregate classification (germline): Uncertain significance (1 of 4 stars; one submission).

gnomAD v4.1: 14 of 1,613,324 alleles (0.00087%); highest among the groups gnomAD compares: Admixed American, 0.012%; no homozygotes.

Submission:

Labcorp Genetics (formerly Invitae), Labcorp
Classification: Uncertain significance. Last evaluated: 2024-07-11. Review status: criteria provided, single submitter. Criteria: Invitae Variant Classification Sherloc (09022015). Collection method: clinical testing. Allele origin: germline.
Comment: This sequence change replaces asparagine, which is neutral and polar, with serine, which is neutral and polar, at codon 849 of the KMT2E protein (p.Asn849Ser). This variant is present in population databases (rs140167666, gnomAD 0.02%). This variant has not been reported in the literature in individuals affected with KMT2E-related conditions. Advanced modeling of protein sequence and biophysical properties (such as structural, functional, and spatial information, amino acid conservation, physicochemical variation, residue mobility, and thermodynamic stability) performed at Invitae indicates that this missense variant is not expected to disrupt KMT2E protein function with a negative predictive value of 80%. In summary, the available evidence is currently insufficient to determine the role of this variant in disease. Therefore, it has been classified as a Variant of Uncertain Significance.

NM_182931.3(KMT2E):c.2546A>G (p.Asn849Ser)

Gene: KMT2E (lysine methyltransferase 2E (inactive); plus strand). Cytogenetic location: 7q22.3.
Variant type: single nucleotide variant.
Coding change: c.2546A>G on transcript NM_182931.3 (MANE Select); coding-DNA position 2546, A replaced by G.
Protein change: p.Asn849Ser; replaces asparagine 849 with serine.
Molecular consequence: missense variant.
Genome position (GRCh38, 1-based): chr7:105,105,953, A>G. VCF-style: chr7-105105953-A-G. GRCh37 (hg19) VCF-style: chr7-104746400-A-G.
Other names: c.2546A>G, p.Asn849Ser (NM_001410908.1, NM_018682.4); short protein forms N849S.
Identifiers: ClinVar variation 3703626 (VCV003703626.2).